The following is an entry in ClinVar:

NM_003562.5(SLC25A11):c.118C>T (p.Gln40Ter)

Gene: SLC25A11 (solute carrier family 25 member 11; minus strand). Cytogenetic location: 17p13.2.
Variant type: single nucleotide variant.
Coding change: c.118C>T on transcript NM_003562.5 (MANE Select); coding-DNA position 118, C replaced by T.
Protein change: p.Gln40Ter; replaces glutamine 40 with a stop codon.
Molecular consequence: nonsense. On other transcripts: intron variant (1).
Genome position (GRCh38, 1-based): chr17:4,939,190, G>A on the plus strand (C>T on the coding strand, the complement: SLC25A11 is on the minus strand). VCF-style: chr17-4939190-G-A. GRCh37 (hg19) VCF-style: chr17-4842485-G-A.
Other names: c.85C>T, p.Gln29Ter (NM_001165417.2); c.96-215C>T (NM_001165418.2); short protein forms Q29*, Q40*.
Identifiers: ClinVar variation 3661513 (VCV003661513.2).

ClinVar aggregate classification (germline): Uncertain significance (1 of 4 stars; one submission).

Submission:

Labcorp Genetics (formerly Invitae), Labcorp
Classification: Uncertain significance. Last evaluated: 2024-08-06. Review status: criteria provided, single submitter. Criteria: Invitae Variant Classification Sherloc (09022015). Collection method: clinical testing. Allele origin: germline.
Comment: This sequence change creates a premature translational stop signal (p.Gln40*) in the SLC25A11 gene. It is expected to result in an absent or disrupted protein product. However, the current clinical and genetic evidence is not sufficient to establish whether loss-of-function variants in SLC25A11 cause disease. This variant is not present in population databases (gnomAD no frequency). This variant has not been reported in the literature in individuals affected with SLC25A11-related conditions. In summary, the available evidence is currently insufficient to determine the role of this variant in disease. Therefore, it has been classified as a Variant of Uncertain Significance.